The following is an entry in ClinVar:

NM_004444.5(EPHB4):c.96G>T (p.Trp32Cys)

Gene: EPHB4 (EPH receptor B4; minus strand). Cytogenetic location: 7q22.1.
Variant type: single nucleotide variant.
Coding change: c.96G>T on transcript NM_004444.5 (MANE Select); coding-DNA position 96, G replaced by T.
Protein change: p.Trp32Cys; replaces tryptophan 32 with cysteine.
Molecular consequence: missense variant.
Genome position (GRCh38, 1-based): chr7:100,824,230, C>A on the plus strand (G>T on the coding strand, the complement: EPHB4 is on the minus strand). VCF-style: chr7-100824230-C-A. GRCh37 (hg19) VCF-style: chr7-100421852-C-A.
Other names: short protein forms W32C.
Identifiers: ClinVar variation 993944 (VCV000993944.8), dbSNP rs1813316337, ClinGen allele CA368585061.
Genomic context (GRCh38, chr7:100,824,230, plus strand): 5'-TCCAGAGCTCCAGCTCCTGGGTGCAGCTCTCACCTGCCCGTCCACCTGAGGGAATGTCAC[C>A]CACTTCAGATCAGCAGTTTCCAATTTTGTGTTCAGCAGGGTCTCTGAGACAGACAGAGAG-3'
Protein context (NP_004435.3, residues 22-42): NTKLETADLK[Trp32Cys]VTFPQVDGQW

ClinVar aggregate classification (germline): Uncertain significance (1 of 4 stars; one submission).

Submission:

ARUP Laboratories, Molecular Genetics and Genomics, ARUP Laboratories
Classification: Uncertain significance. Last evaluated: 2019-12-03. Review status: criteria provided, single submitter. Criteria: ARUP Molecular Germline Variant Investigation Process. Collection method: clinical testing. Allele origin: germline.
Comment: The EPHB4 c.96G>T; p.Trp32Cys variant, to our knowledge, is not reported in the medical literature or gene-specific databases. This variant is also absent from general population databases (Exome Variant Server, Genome Aggregation Database), indicating it is not a common polymorphism. The tryptophan at codon 32 is moderately conserved, and computational analyses (SIFT, PolyPhen-2) predict that this variant is deleterious. However, due to limited information, the clinical significance of the p.Trp32Cys variant is uncertain at this time.